The following is an entry in ClinVar:

ClinVar aggregate classification (germline): Uncertain significance. Review status: criteria provided, multiple submitters, no conflicts (2 of 4 stars). 8 submissions from 8 submitters: Uncertain significance (8). Last evaluated 2025-04-10.

Conditions:
Hereditary breast ovarian cancer syndrome. Also called: Hereditary breast and ovarian cancer syndrome; Hereditary breast and ovarian cancer syndrome (HBOC); BRCA1- and BRCA2-Associated Hereditary Breast and Ovarian Cancer; Breast and ovarian cancer; Hereditary breast and ovarian cancer; Hereditary breast and/or ovarian cancer syndrome. Identifiers: Orphanet 145, MedGen C0677776, MeSH D061325, MONDO:0003582. Disease mechanism: loss of function.
Hereditary cancer-predisposing syndrome. Also called: Hereditary Cancer Syndrome; Hereditary neoplastic syndrome; Tumor predisposition; Neoplastic Syndromes, Hereditary. Identifiers: Orphanet 140162, MedGen C0027672, MeSH D009386, MONDO:0015356.
Breast-ovarian cancer, familial, susceptibility to, 1 (BROVCA1). Also called: OVARIAN CANCER, SUSCEPTIBILITY TO; BRCA1 Hereditary Breast and Ovarian Cancer. Identifiers: Orphanet 145, MedGen C2676676, MONDO:0011450, OMIM 604370. Disease mechanism: loss of function.

gnomAD v4.1: 1 of 1,612,772 alleles (0.000062%); highest among the groups gnomAD compares: Admixed American, 0.0017%; no homozygotes.

Submissions (8):

Ambry Genetics
Classification: Uncertain significance for Hereditary cancer-predisposing syndrome. Last evaluated: 2025-04-10. Review status: criteria provided, single submitter. Criteria: Ambry Variant Classification Scheme 2023. Collection method: clinical testing. Allele origin: germline.
Comment: The p.S114C variant (also known as c.341C>G), located in coding exon 5 of the BRCA1 gene, results from a C to G substitution at nucleotide position 341. The serine at codon 114 is replaced by cysteine, an amino acid with dissimilar properties. This amino acid position is well conserved in available vertebrate species. In addition, this alteration is predicted to be deleterious by in silico analysis. Since supporting evidence is limited at this time, the clinical significance of this alteration remains unclear.

Labcorp Genetics (formerly Invitae), Labcorp
Classification: Uncertain significance for Hereditary breast ovarian cancer syndrome. Last evaluated: 2025-04-09. Review status: criteria provided, single submitter. Criteria: Invitae Variant Classification Sherloc (09022015). Collection method: clinical testing. Allele origin: germline.
Comment: This sequence change replaces serine, which is neutral and polar, with cysteine, which is neutral and slightly polar, at codon 114 of the BRCA1 protein (p.Ser114Cys). This variant is not present in population databases (gnomAD no frequency). This missense change has been observed in individual(s) with breast cancer (PMID: 28947987). ClinVar contains an entry for this variant (Variation ID: 185998). Invitae Evidence Modeling of protein sequence and biophysical properties (such as structural, functional, and spatial information, amino acid conservation, physicochemical variation, residue mobility, and thermodynamic stability) indicates that this missense variant is expected to disrupt BRCA1 protein function with a positive predictive value of 80%. In summary, the available evidence is currently insufficient to determine the role of this variant in disease. Therefore, it has been classified as a Variant of Uncertain Significance.

Women's Health and Genetics/Laboratory Corporation of America, LabCorp
Classification: Uncertain significance. Last evaluated: 2024-02-09. Review status: criteria provided, single submitter. Criteria: LabCorp Variant Classification Summary - May 2015. Collection method: clinical testing. Allele origin: germline.
Comment: Variant summary: BRCA1 c.341C>G (p.Ser114Cys) results in a non-conservative amino acid change in the encoded protein sequence. Five of five in-silico tools predict a damaging effect of the variant on protein function. The variant was absent in 251186 control chromosomes (gnomAD). The available data on variant occurrences in the general population are insufficient to allow any conclusion about variant significance. c.341C>G has been reported in the literature in individuals affected with Hereditary Breast And Ovarian Cancer Syndrome (e.g., Sanz_2010, Solano_2016), however without strong evidence for causality (e.g., lack of co-segregation data). These reports therefore do not provide unequivocal conclusions about association of the variant with Hereditary Breast And Ovarian Cancer Syndrome. To our knowledge, no experimental evidence demonstrating an impact on protein function has been reported, although the absence of a splicing effect has been reported in one publication (e.g., Sanz_2010). The following publications have been ascertained in the context of this evaluation (PMID: 20215541, 28947987). ClinVar contains an entry for this variant (Variation ID: 185998). Based on the evidence outlined above, the variant was classified as uncertain significance.

All of Us Research Program, National Institutes of Health
Classification: Uncertain significance for Breast-ovarian cancer, familial, susceptibility to, 1. Last evaluated: 2023-08-15. Review status: criteria provided, single submitter. Criteria: ACMG Guidelines, 2015. Collection method: clinical testing. Allele origin: germline. Inheritance: Autosomal dominant inheritance. Observed: 1 variant allele, 1 heterozygote.
Comment: This missense variant replaces serine with cysteine at codon 114 of the BRCA1 protein. Computational prediction is inconclusive regarding the impact of this variant on protein structure and function (internally defined REVEL score threshold 0.5 < inconclusive < 0.7, PMID: 27666373). To our knowledge, functional studies have not been reported for this variant. This variant has been observed in an individual affected with breast cancer (PMID: 28947987). This variant has not been identified in the general population by the Genome Aggregation Database (gnomAD). The available evidence is insufficient to determine the role of this variant in disease conclusively. Therefore, this variant is classified as a Variant of Uncertain Significance.

This study involves interpretation of variants in research participants for the purpose of population health screening. Participant phenotype was not available at the time of variant classification. Additional details can be found in publication PMID: 35346344, PMCID: PMC8962531

Color Diagnostics, LLC DBA Color Health
Classification: Uncertain significance for Hereditary cancer-predisposing syndrome. Last evaluated: 2023-06-14. Review status: criteria provided, single submitter. Criteria: ACMG Guidelines, 2015. Collection method: clinical testing. Allele origin: germline.
Comment: This missense variant replaces serine with cysteine at codon 114 of the BRCA1 protein. Computational prediction is inconclusive regarding the impact of this variant on protein structure and function (internally defined REVEL score threshold 0.5 < inconclusive < 0.7, PMID: 27666373). To our knowledge, functional studies have not been reported for this variant. This variant has been observed in an individual affected with breast cancer (PMID: 28947987). This variant has not been identified in the general population by the Genome Aggregation Database (gnomAD). The available evidence is insufficient to determine the role of this variant in disease conclusively. Therefore, this variant is classified as a Variant of Uncertain Significance.

Quest Diagnostics Nichols Institute San Juan Capistrano
Classification: Uncertain significance. Last evaluated: 2023-05-08. Review status: criteria provided, single submitter. Criteria: Quest Diagnostics criteria. Collection method: clinical testing. Allele origin: unknown.
Comment: It also has not been reported in large, multi-ethnic general populations. In the published literature, the variant has been reported in an individual with breast cancer with a family history of breast and colon cancer (PMID: 28947987 (2017)). Analysis of this variant using bioinformatics tools for the prediction of the effect of amino acid changes on protein structure and function yielded predictions that this variant is benign or damaging. Based on the available information, we are unable to determine the clinical significance of this variant.

Baylor Genetics
Classification: Uncertain significance for Breast-ovarian cancer, familial, susceptibility to, 1. Last evaluated: 2020-12-01. Review status: criteria provided, single submitter. Criteria: ACMG Guidelines, 2015. Collection method: clinical testing. Allele origin: maternal. Affected: yes. Study: CSER-TexasKidsCanSeq.
Comment: This variant was determined to be of uncertain significance according to ACMG Guidelines, 2015 [PMID:25741868].

ARUP Laboratories, Molecular Genetics and Genomics, ARUP Laboratories
Classification: Uncertain significance. Last evaluated: 2020-05-22. Review status: criteria provided, single submitter. Criteria: ARUP Molecular Germline Variant Investigation Process. Collection method: clinical testing. Allele origin: germline.
Comment: The BRCA1 c.341C>G; p.Ser114Cys variant (rs786202620) is reported in the literature in an individual with a personal and family history of breast cancer (Solano 2016). This variant is reported in ClinVar (Variation ID: 185998), and is absent from general population databases (Exome Variant Server, Genome Aggregation Database), indicating it is not a common polymorphism. The serine at codon 114 is moderately conserved, and computational analyses (SIFT, PolyPhen-2) predict that this variant is deleterious. Additionally, another variant at this codon (c.340T>C; p.Ser114Pro) has been reported in an individuals affected with breast cancer (Hedau 2004). However, given the lack of clinical and functional data, the significance of the p.Ser114Cys variant is uncertain at this time. References: Hedau Set al. Novel germline mutations in breast cancer susceptibility genes BRCA1, BRCA2 and p53 gene in breast cancer patients from India. Breast Cancer Res Treat. 2004;88(2):177-186. Solano et al. Spectrum of BRCA1/2 variants in 940 patients from Argentina including novel, deleterious and recurrent germline mutations: impact on healthcare and clinical practice. Oncotarget. 2016;8(36):60487-60495.

Literature cited by the submitters: PubMed 28947987 (cited by 6 submitters); PubMed 20215541 (cited by Women's Health and Genetics/Laboratory Corporation of America, LabCorp).

NM_007294.4(BRCA1):c.341C>G (p.Ser114Cys)

Gene: BRCA1 (BRCA1 DNA repair associated; minus strand). Cytogenetic location: 17q21.31.
Variant type: single nucleotide variant.
Coding change: c.341C>G on transcript NM_007294.4 (MANE Select); coding-DNA position 341, C replaced by G.
Protein change: p.Ser114Cys; replaces serine 114 with cysteine.
Molecular consequence: missense variant. On other transcripts: non-coding transcript variant (1).
Genome position (GRCh38, 1-based): chr17:43,104,222, G>C on the plus strand (C>G on the coding strand, the complement: BRCA1 is on the minus strand). VCF-style: chr17-43104222-G-C. GRCh37 (hg19) VCF-style: chr17-41256239-G-C.
Other names: c.131C>G, p.Ser44Cys (NM_001407571.1, NM_001407853.1, NM_001407879.1 and 58 more transcripts); c.341C>G, p.Ser114Cys (NM_001407581.1, NM_001407582.1, NM_001407583.1 and 165 more transcripts); c.332C>G, p.Ser111Cys (NM_001407646.1, NM_001407647.1, NM_001408408.1); c.263C>G, p.Ser88Cys (NM_001407653.1, NM_001407654.1, NM_001407655.1 and 21 more transcripts); c.200C>G, p.Ser67Cys (NM_001407692.1, NM_001407694.1, NM_001407695.1 and 99 more transcripts); c.-41C>G (NM_001407962.1, NM_001407963.1, NM_001407965.1 and 4 more transcripts); c.209C>G, p.Ser70Cys (NM_001408451.1); short protein forms S114C, S67C, S44C, S111C, S70C, S88C.
Identifiers: ClinVar variation 185998 (VCV000185998.28), dbSNP rs786202620, ClinGen allele CA002213.